The following is an entry in ClinVar:

NM_001458.5(FLNC):c.7627G>C (p.Asp2543His)

Genes: FLNC (filamin C; plus strand), FLNC-AS1 (FLNC antisense RNA 1; minus strand). Cytogenetic location: 7q32.1.
Variant type: single nucleotide variant.
Coding change: c.7627G>C on transcript NM_001458.5 (MANE Select); coding-DNA position 7627, G replaced by C.
Protein change: p.Asp2543His; replaces aspartic acid 2543 with histidine.
Molecular consequence: missense variant.
Genome position (GRCh38, 1-based): chr7:128,857,183, G>C. VCF-style: chr7-128857183-G-C. GRCh37 (hg19) VCF-style: chr7-128497237-G-C.
Other names: c.7528G>C, p.Asp2510His (NM_001127487.2); short protein forms D2510H, D2543H.
Identifiers: ClinVar variation 3236021 (VCV003236021.1), dbSNP rs770182041, ClinGen allele CA369219415.

ClinVar aggregate classification (germline): Uncertain significance (1 of 4 stars; one submission).

Conditions:
Hypertrophic cardiomyopathy 26. Also called: Cardiomyopathy, familial hypertrophic, 26. Identifiers: Orphanet 75249, MedGen C4310749, MONDO:0014883, OMIM 617047.

Submission:

MVZ Medizinische Genetik Mainz
Classification: Uncertain significance for Hypertrophic cardiomyopathy 26. Last evaluated: 2021-09-23. Review status: criteria provided, single submitter. Criteria: UK Practice Guidelines For Variant Classification V4 01 2020. Collection method: clinical testing. Allele origin: germline. Inheritance: Autosomal dominant inheritance. Affected: yes. Observed: 1 variant allele.
Comment: ACMG Criteria: PM1_SUP, PM2_SUP, PP3